The following is an entry in ClinVar:

ClinVar aggregate classification (germline): Uncertain significance. Review status: criteria provided, multiple submitters, no conflicts (2 of 4 stars). 2 submissions from 2 submitters: Uncertain significance (2). Last evaluated 2026-01-13.

Conditions:
Factor I deficiency (CFID). Also called: Complement factor I deficiency. Identifiers: Orphanet 200418, MedGen C3463916, MONDO:0012594, OMIM 610984.

Submissions (2):

3billion
Classification: Uncertain significance for Factor I deficiency. Last evaluated: 2026-01-13. Review status: criteria provided, single submitter. Criteria: ACMG Guidelines, 2015. Collection method: clinical testing. Allele origin: germline. Affected: yes.
Comment: The variant is not observed in the gnomAD v4.1.0 dataset. Predicted Consequence/Location: Missense variant In silico tool predictions suggest damaging effect of the variant on gene or gene product [REVEL: 0.77 (>=0.6, sensitivity 0.68 and specificity 0.92)]. The variant has been reported as of uncertain significance (ClinVar ID: VCV002135035). Different missense changes at the same codon have been reported as of uncertain significance (ClinVar ID: VCV004280510). Therefore, this variant is classified as VUS according to the recommendation of ACMG/AMP guideline.

Labcorp Genetics (formerly Invitae), Labcorp
Classification: Uncertain significance. Last evaluated: 2022-08-19. Review status: criteria provided, single submitter. Criteria: Invitae Variant Classification Sherloc (09022015). Collection method: clinical testing. Allele origin: germline.
Comment: In summary, the available evidence is currently insufficient to determine the role of this variant in disease. Therefore, it has been classified as a Variant of Uncertain Significance. Advanced modeling of protein sequence and biophysical properties (such as structural, functional, and spatial information, amino acid conservation, physicochemical variation, residue mobility, and thermodynamic stability) performed at Invitae indicates that this missense variant is expected to disrupt CFI protein function. This variant has not been reported in the literature in individuals affected with CFI-related conditions. This variant is not present in population databases (gnomAD no frequency). This sequence change replaces lysine, which is basic and polar, with glutamic acid, which is acidic and polar, at codon 45 of the CFI protein (p.Lys45Glu).

NM_000204.5(CFI):c.133A>G (p.Lys45Glu)

Gene: CFI (complement factor I; minus strand). Cytogenetic location: 4q25.
Variant type: single nucleotide variant.
Coding change: c.133A>G on transcript NM_000204.5 (MANE Select); coding-DNA position 133, A replaced by G.
Protein change: p.Lys45Glu; replaces lysine 45 with glutamic acid.
Molecular consequence: missense variant. On other transcripts: non-coding transcript variant (3), intron variant (1).
Genome position (GRCh38, 1-based): chr4:109,766,749, T>C on the plus strand (A>G on the coding strand, the complement: CFI is on the minus strand). VCF-style: chr4-109766749-T-C. GRCh37 (hg19) VCF-style: chr4-110687905-T-C.
Other names: c.133A>G, p.Lys45Glu (NM_001318057.2, NM_001331035.2, NM_001375278.1 and 5 more transcripts); c.-127-5057A>G (NM_001375284.1); short protein forms K45E.
Identifiers: ClinVar variation 2135035 (VCV002135035.5), dbSNP rs2545457355, ClinGen allele CA357865633.